The following is an entry in ClinVar:

ClinVar aggregate classification (germline): Pathogenic (1 of 4 stars; one submission).

Conditions:
Deficiency of galactokinase. Also called: Galactokinase deficiency with cataracts; GALACTOSEMIA II. Identifiers: Orphanet 352, Orphanet 79237, MedGen C0268155, MONDO:0009255, OMIM 230200.

Submission:

Labcorp Genetics (formerly Invitae), Labcorp
Classification: Pathogenic for Deficiency of galactokinase. Last evaluated: 2021-02-02. Review status: criteria provided, single submitter. Criteria: Invitae Variant Classification Sherloc (09022015). Collection method: clinical testing. Allele origin: germline.
Comment: This variant disrupts the C-terminus of the GALK1 protein. Other variant(s) that disrupt this region (p.Gln382*) have been determined to be pathogenic (PMID: 10790206). This suggests that variants that disrupt this region of the protein are likely to be causative of disease. For these reasons, this variant has been classified as Pathogenic. This variant has not been reported in the literature in individuals with GALK1-related conditions. This variant results in the deletion of exon(s) 7-8 and part of exon 6 (c.842_*1061del) of the GALK1 gene. While this deletion is not anticipated to lead to nonsense mediated decay, it is expected to alter mRNA translation or result in a truncated protein product.

Literature cited by the submitters: PubMed 10790206.

NC_000017.10:g.(?_73753076)_(73754632_?)del

Genes: GALK1 (galactokinase 1; minus strand), ITGB4 (integrin subunit beta 4; plus strand). Cytogenetic location: 17q25.1.
Variant type: Deletion.
Identifiers: ClinVar variation 1460428 (VCV001460428.6).